The following is an entry in ClinVar:

NM_003072.5(SMARCA4):c.3168+13C>T

Gene: SMARCA4 (SWI/SNF related BAF chromatin remodeling complex subunit ATPase 4; plus strand). Cytogenetic location: 19p13.2.
Variant type: single nucleotide variant.
Coding change: c.3168+13C>T on transcript NM_003072.5 (MANE Select); 13 bases into the intron after coding-DNA position 3168, C replaced by T.
Molecular consequence: intron variant.
Genome position (GRCh38, 1-based): chr19:11,025,521, C>T. VCF-style: chr19-11025521-C-T. GRCh37 (hg19) VCF-style: chr19-11136197-C-T.
Other names: c.3168+13C>T (NM_001128844.3, NM_001128849.3, NM_001128847.4 and 5 more transcripts).
Identifiers: ClinVar variation 387352 (VCV000387352.9), dbSNP rs535641983, ClinGen allele CA9204336.

ClinVar aggregate classification (germline): Likely benign. Review status: criteria provided, multiple submitters, no conflicts (2 of 4 stars). 2 submissions from 2 submitters: Likely benign (2). Last evaluated 2026-01-30.

Conditions:
Rhabdoid tumor predisposition syndrome 2 (RTPS2). Identifiers: Orphanet 231108, Orphanet 69077, MedGen C2750074, MONDO:0013224, OMIM 613325.

Allele frequency attached by ClinVar (database versions not stated): gnomAD 0.00005; ExAC 0.00006; TOPMed 0.00008; gnomAD exomes 0.00009; 1000 Genomes Project 30x 0.00016; 1000 Genomes Project 0.00020.
gnomAD v4.1: 79 of 1,602,440 alleles (0.0049%); highest among the groups gnomAD compares: Admixed American, 0.032%; no homozygotes.

Submissions (2):

Labcorp Genetics (formerly Invitae), Labcorp
Classification: Likely benign for Rhabdoid tumor predisposition syndrome 2. Last evaluated: 2026-01-30. Review status: criteria provided, single submitter. Criteria: Invitae Variant Classification Sherloc (09022015). Collection method: clinical testing. Allele origin: germline.

GeneDx
Classification: Likely benign. Last evaluated: 2016-06-28. Review status: criteria provided, single submitter. Criteria: GeneDx Variant Classification (06012015). Collection method: clinical testing. Allele origin: germline. Affected: yes.
Comment: This variant is considered likely benign or benign based on one or more of the following criteria: it is a conservative change, it occurs at a poorly conserved position in the protein, it is predicted to be benign by multiple in silico algorithms, and/or has population frequency not consistent with disease.